The following is an entry in ClinVar:

NM_177438.3(DICER1):c.3719A>G (p.Asn1240Ser)

Gene: DICER1 (dicer 1, ribonuclease III; minus strand). Cytogenetic location: 14q32.13.
Variant type: single nucleotide variant.
Coding change: c.3719A>G on transcript NM_177438.3 (MANE Select); coding-DNA position 3719, A replaced by G.
Protein change: p.Asn1240Ser; replaces asparagine 1240 with serine.
Molecular consequence: missense variant.
Genome position (GRCh38, 1-based): chr14:95,103,677, T>C on the plus strand (A>G on the coding strand, the complement: DICER1 is on the minus strand). VCF-style: chr14-95103677-T-C. GRCh37 (hg19) VCF-style: chr14-95570014-T-C.
Other names: c.3719A>G, p.Asn1240Ser (NM_001195573.1, NM_001271282.3, NM_001291628.2 and 1 more transcripts); short protein forms N1240S.
Identifiers: ClinVar variation 1350076 (VCV001350076.9), dbSNP rs2139961122, ClinGen allele CA390874255.

ClinVar aggregate classification (germline): Uncertain significance (1 of 4 stars; one submission).

Conditions:
DICER1-related tumor predisposition. Also called: DICER1 syndrome; DICER1-related pleuropulmonary blastoma cancer predisposition syndrome. Identifiers: Orphanet 284343, MedGen C3839822, MONDO:0100216.

Allele frequency attached by ClinVar (database versions not stated): gnomAD exomes below 0.00001.
gnomAD v4.1: 3 of 1,614,202 alleles (0.00019%); highest among the groups gnomAD compares: Non-Finnish European, 0.00025%; no homozygotes.

Submission:

Labcorp Genetics (formerly Invitae), Labcorp
Classification: Uncertain significance for DICER1-related tumor predisposition. Last evaluated: 2021-06-26. Review status: criteria provided, single submitter. Criteria: Invitae Variant Classification Sherloc (09022015). Collection method: clinical testing. Allele origin: germline.
Comment: In summary, the available evidence is currently insufficient to determine the role of this variant in disease. Therefore, it has been classified as a Variant of Uncertain Significance. This sequence change replaces asparagine with serine at codon 1240 of the DICER1 protein (p.Asn1240Ser). The asparagine residue is moderately conserved and there is a small physicochemical difference between asparagine and serine. This variant is not present in population databases (ExAC no frequency). This variant has not been reported in the literature in individuals with DICER1-related conditions. Algorithms developed to predict the effect of missense changes on protein structure and function (SIFT, PolyPhen-2, Align-GVGD) all suggest that this variant is likely to be tolerated, but these predictions have not been confirmed by published functional studies and their clinical significance is uncertain. Algorithms developed to predict the effect of sequence changes on RNA splicing suggest that this variant may create or strengthen a splice site, but this prediction has not been confirmed by published transcriptional studies.